The following is an entry in ClinVar:

NM_002506.3(NGF):c.238C>T (p.Arg80Trp)

Genes: NGF-AS1 (NGF antisense RNA 1; plus strand), NGF (nerve growth factor; minus strand). Cytogenetic location: 1p13.2.
Variant type: single nucleotide variant.
Coding change: c.238C>T on transcript NM_002506.3 (MANE Select); coding-DNA position 238, C replaced by T.
Protein change: p.Arg80Trp; replaces arginine 80 with tryptophan.
Molecular consequence: missense variant.
Genome position (GRCh38, 1-based): chr1:115,286,558, G>A on the plus strand (C>T on the coding strand, the complement: NGF is on the minus strand). VCF-style: chr1-115286558-G-A. GRCh37 (hg19) VCF-style: chr1-115829179-G-A.
Other names: short protein forms R80W.
Identifiers: ClinVar variation 841314 (VCV000841314.8), dbSNP rs778266438, ClinGen allele CA1023017.
Genomic context (GRCh38, chr1:115,286,558, plus strand): 5'-TGTCTGCAGCTTCACGGGGAGGCTGGGTGCTAAACAGCACACGGGGTGAACGGAGTCGCC[G>A]CTTTTTAAACAGCCTGGGGTCCACAGTAATGTTGCGGGTCTGCCCCGCCACGCGTGCAGC-3'
Protein context (NP_002497.2, residues 70-90): ITVDPRLFKK[Arg80Trp]RLRSPRVLFS

ClinVar aggregate classification (germline): Uncertain significance. Review status: criteria provided, multiple submitters, no conflicts (2 of 4 stars). 2 submissions from 2 submitters: Uncertain significance (2). Last evaluated 2025-04-16.

Conditions:
Congenital sensory neuropathy with selective loss of small myelinated fibers (HSAN5). Also called: HSAN Type V. Identifiers: Orphanet 64752, MedGen C0020075, MONDO:0012092, OMIM 608654.
NGF-related disorder. Also called: NGF-related condition.

Allele frequency attached by ClinVar (database versions not stated): TOPMed below 0.00001; ExAC 0.00001; gnomAD 0.00001; gnomAD exomes 0.00002.
gnomAD v4.1: 23 of 1,614,064 alleles (0.0014%); highest among the groups gnomAD compares: Admixed American, 0.005%; no homozygotes.

Submissions (2):

PreventionGenetics, part of Exact Sciences
Classification: Uncertain significance for NGF-related condition. Last evaluated: 2025-04-16. Review status: criteria provided, single submitter. Criteria: ACMG Guidelines, 2015. Collection method: clinical testing. Allele origin: germline.
Comment: The NGF c.238C>T variant is predicted to result in the amino acid substitution p.Arg80Trp. To our knowledge, this variant has not been reported in the literature. This variant is reported in 0.0058% of alleles in individuals of Latino descent in gnomAD. At this time, the clinical significance of this variant is uncertain due to the absence of conclusive functional and genetic evidence.

Labcorp Genetics (formerly Invitae), Labcorp
Classification: Uncertain significance for Congenital sensory neuropathy with selective loss of small myelinated fibers. Last evaluated: 2022-06-27. Review status: criteria provided, single submitter. Criteria: Invitae Variant Classification Sherloc (09022015). Collection method: clinical testing. Allele origin: germline.
Comment: This sequence change replaces arginine, which is basic and polar, with tryptophan, which is neutral and slightly polar, at codon 80 of the NGF protein (p.Arg80Trp). This variant is present in population databases (rs778266438, gnomAD 0.006%). This variant has not been reported in the literature in individuals affected with NGF-related conditions. ClinVar contains an entry for this variant (Variation ID: 841314). Algorithms developed to predict the effect of missense changes on protein structure and function (SIFT, PolyPhen-2, Align-GVGD) all suggest that this variant is likely to be disruptive. In summary, the available evidence is currently insufficient to determine the role of this variant in disease. Therefore, it has been classified as a Variant of Uncertain Significance.